The following is an entry in ClinVar:

ClinVar aggregate classification (germline): Uncertain significance (1 of 4 stars; one submission).

Conditions:
Ataxia-telangiectasia syndrome (AT). Also called: Ataxia-telangiectasia, complementation group D; AT, COMPLEMENTATION GROUP C; ATAXIA-TELANGIECTASIA, COMPLEMENTATION GROUP A; ATAXIA-TELANGIECTASIA, FRESNO VARIANT; Ataxia-telangiectasia; Ataxia telangiectasia (A-T). Identifiers: Orphanet 100, MedGen C0004135, MONDO:0008840, OMIM 208900.

Submission:

Labcorp Genetics (formerly Invitae), Labcorp
Classification: Uncertain significance for Ataxia-telangiectasia syndrome. Last evaluated: 2019-10-29. Review status: criteria provided, single submitter. Criteria: Invitae Variant Classification Sherloc (09022015). Collection method: clinical testing. Allele origin: germline.
Comment: This sequence change replaces threonine with arginine at codon 2737 of the ATM protein (p.Thr2737Arg). The threonine residue is moderately conserved and there is a moderate physicochemical difference between threonine and arginine. This variant is not present in population databases (ExAC no frequency). This variant has not been reported in the literature in individuals with ATM-related conditions. Algorithms developed to predict the effect of missense changes on protein structure and function (SIFT, PolyPhen-2, Align-GVGD) all suggest that this variant is likely to be tolerated, but these predictions have not been confirmed by published functional studies and their clinical significance is uncertain. Algorithms developed to predict the effect of sequence changes on RNA splicing suggest that this variant may create or strengthen a splice site, but this prediction has not been confirmed by published transcriptional studies. In summary, the available evidence is currently insufficient to determine the role of this variant in disease. Therefore, it has been classified as a Variant of Uncertain Significance.

NM_000051.4(ATM):c.8210C>G (p.Thr2737Arg)

Genes: ATM (ATM serine/threonine kinase; plus strand), C11orf65 (chromosome 11 open reading frame 65; minus strand). Cytogenetic location: 11q22.3.
Variant type: single nucleotide variant.
Coding change: c.8210C>G on transcript NM_000051.4 (MANE Select); coding-DNA position 8210, C replaced by G.
Protein change: p.Thr2737Arg; replaces threonine 2737 with arginine.
Molecular consequence: missense variant. On other transcripts: intron variant (2).
Genome position (GRCh38, 1-based): chr11:108,335,903, C>G. VCF-style: chr11-108335903-C-G. GRCh37 (hg19) VCF-style: chr11-108206630-C-G.
Other names: c.8210C>G, p.Thr2737Arg (NM_001351834.2); c.641-26832G>C (NM_001330368.2); c.695-611G>C (NM_001351110.2); short protein forms T2737R.
Identifiers: ClinVar variation 958029 (VCV000958029.10), dbSNP rs2086793204, ClinGen allele CA382562585.